The following is an entry in ClinVar:

NM_003000.3(SDHB):c.305C>A (p.Ala102Glu)

Gene: SDHB (succinate dehydrogenase complex iron sulfur subunit B; minus strand). Cytogenetic location: 1p36.13.
Variant type: single nucleotide variant.
Coding change: c.305C>A on transcript NM_003000.3 (MANE Select); coding-DNA position 305, C replaced by A.
Protein change: p.Ala102Glu; replaces alanine 102 with glutamic acid.
Molecular consequence: missense variant.
Genome position (GRCh38, 1-based): chr1:17,028,718, G>T on the plus strand (C>A on the coding strand, the complement: SDHB is on the minus strand). VCF-style: chr1-17028718-G-T. GRCh37 (hg19) VCF-style: chr1-17355213-G-T.
Other names: c.305C>A, p.Ala102Glu (NM_001407361.1); short protein forms A102E.
Identifiers: ClinVar variation 3758036 (VCV003758036.2).

ClinVar aggregate classification (germline): Uncertain significance (1 of 4 stars; one submission).

Conditions:
Pheochromocytoma. Also called: MAX-Related Hereditary Paraganglioma-Pheochromocytoma Syndrome. Identifiers: Orphanet 29072, MedGen C0031511, MONDO:0008233, OMIM 171300, HP:0002666.
Pheochromocytoma/paraganglioma syndrome 4. Also called: CAROTID BODY TUMORS AND MULTIPLE EXTRAADRENAL PHEOCHROMOCYTOMAS; PARAGANGLIOMA, FAMILIAL MALIGNANT; PARAGANGLIOMAS, HEREDITARY EXTRAADRENAL; PHEOCHROMOCYTOMA, FAMILIAL EXTRAADRENAL; Paragangliomas 4; SDHB-Related Hereditary Paraganglioma-Pheochromocytoma Syndrome (Paragangliomas 4). Identifiers: Orphanet 29072, MedGen C1861848, MONDO:0007273, OMIM 115310.
Gastrointestinal stromal tumor. Also called: Gastrointestinal stromal tumor, somatic; Gastrointestinal stroma tumor. Identifiers: Orphanet 44890, MedGen C0238198, MeSH D046152, MONDO:0011719, OMIM 606764, HP:0100723.

Submission:

Labcorp Genetics (formerly Invitae), Labcorp
Classification: Uncertain significance for Gastrointestinal stromal tumor; Pheochromocytoma/paraganglioma syndrome 4; Pheochromocytoma. Last evaluated: 2025-01-21. Review status: criteria provided, single submitter. Criteria: Invitae Variant Classification Sherloc (09022015). Collection method: clinical testing. Allele origin: germline.
Comment: This sequence change replaces alanine, which is neutral and non-polar, with glutamic acid, which is acidic and polar, at codon 102 of the SDHB protein (p.Ala102Glu). This variant is not present in population databases (gnomAD no frequency). This variant has not been reported in the literature in individuals affected with SDHB-related conditions. Invitae Evidence Modeling of protein sequence and biophysical properties (such as structural, functional, and spatial information, amino acid conservation, physicochemical variation, residue mobility, and thermodynamic stability) indicates that this missense variant is expected to disrupt SDHB protein function with a positive predictive value of 80%. In summary, the available evidence is currently insufficient to determine the role of this variant in disease. Therefore, it has been classified as a Variant of Uncertain Significance.